The following is an entry in ClinVar:

ClinVar aggregate classification (germline): Pathogenic (1 of 4 stars; one submission).

Conditions:
Nephronophthisis. Also called: Juvenile Nephronophthisis. Identifiers: Orphanet 655, MedGen C0687120, MONDO:0019005, HP:0000090.

Submission:

Labcorp Genetics (formerly Invitae), Labcorp
Classification: Pathogenic for Nephronophthisis. Last evaluated: 2022-12-12. Review status: criteria provided, single submitter. Criteria: Invitae Variant Classification Sherloc (09022015). Collection method: clinical testing. Allele origin: unknown.
Comment: For these reasons, this variant has been classified as Pathogenic. This variant disrupts a region of the NPHP3 protein in which other variant(s) (p.Glu435del) have been determined to be pathogenic (PMID: 23559409, 26184788, 34031707; Invitae). This suggests that this is a clinically significant region of the protein, and that variants that disrupt it are likely to be disease-causing. This variant has not been reported in the literature in individuals affected with NPHP3-related conditions. This variant is a gross deletion of the genomic region encompassing exon(s) 8-12 of the NPHP3 gene. This variant would be expected to be in-frame, preserving the integrity of the reading frame.

Literature cited by the submitters: PubMed 23559409; PubMed 26184788; PubMed 34031707.

NC_000003.11:g.(?_132418742)_(132424678_?)del

Gene: NPHP3 (nephrocystin 3; minus strand). Cytogenetic location: 3q22.1.
Variant type: Deletion.
Identifiers: ClinVar variation 3246870 (VCV003246870.1).